The following is an entry in ClinVar:

ClinVar aggregate classification (germline): Uncertain significance. Review status: criteria provided, multiple submitters, no conflicts (2 of 4 stars). 2 submissions from 2 submitters: Uncertain significance (2). Last evaluated 2025-03-02.

Conditions:
Cardiovascular phenotype. Identifiers: MedGen CN230736.

Allele frequency attached by ClinVar (database versions not stated): TOPMed 0.00001.

Submissions (2):

Labcorp Genetics (formerly Invitae), Labcorp
Classification: Uncertain significance. Last evaluated: 2025-03-02. Review status: criteria provided, single submitter. Criteria: Invitae Variant Classification Sherloc (09022015). Collection method: clinical testing. Allele origin: germline.
Comment: This sequence change replaces histidine, which is basic and polar, with tyrosine, which is neutral and polar, at codon 356 of the APOA5 protein (p.His356Tyr). This variant is not present in population databases (gnomAD no frequency). This missense change has been observed in individual(s) with dyslipidemia (PMID: 36325899). ClinVar contains an entry for this variant (Variation ID: 2853696). An algorithm developed to predict the effect of missense changes on protein structure and function (PolyPhen-2) suggests that this variant is likely to be tolerated. In summary, the available evidence is currently insufficient to determine the role of this variant in disease. Therefore, it has been classified as a Variant of Uncertain Significance.

Ambry Genetics
Classification: Uncertain significance for Cardiovascular phenotype. Last evaluated: 2023-11-26. Review status: criteria provided, single submitter. Criteria: Ambry Variant Classification Scheme 2023. Collection method: clinical testing. Allele origin: germline.
Comment: The p.H356Y variant (also known as c.1066C>T), located in coding exon 3 of the APOA5 gene, results from a C to T substitution at nucleotide position 1066. The histidine at codon 356 is replaced by tyrosine, an amino acid with similar properties. This amino acid position is conserved. In addition, this alteration is predicted to be tolerated by in silico analysis. Since supporting evidence is limited at this time, the clinical significance of this alteration remains unclear.

Literature cited by the submitters: PubMed 36325899 (cited by Labcorp Genetics (formerly Invitae), Labcorp).

NM_001371904.1(APOA5):c.1066C>T (p.His356Tyr)

Gene: APOA5 (apolipoprotein A5; minus strand). Cytogenetic location: 11q23.3.
Variant type: single nucleotide variant.
Coding change: c.1066C>T on transcript NM_001371904.1 (MANE Select); coding-DNA position 1066, C replaced by T.
Protein change: p.His356Tyr; replaces histidine 356 with tyrosine.
Molecular consequence: missense variant.
Genome position (GRCh38, 1-based): chr11:116,790,163, G>A on the plus strand (C>T on the coding strand, the complement: APOA5 is on the minus strand). VCF-style: chr11-116790163-G-A. GRCh37 (hg19) VCF-style: chr11-116660879-G-A.
Other names: c.1066C>T (NM_052968.4); c.1066C>T, p.His356Tyr (NM_001166598.2, NM_052968.5); short protein forms H356Y.
Identifiers: ClinVar variation 2853696 (VCV002853696.4), dbSNP rs1940968954, ClinGen allele CA382734037.
Genomic context (GRCh38, chr11:116,790,163, plus strand): 5'-GGAATGGGCCTGGGCAGGTAGATCCTCAGGGGTCCCCCAGATGGCTGTGGCCCTGGTCAT[G>A]AAGGCTGTGAGTGATGTCTTCCCACAGGTCATCCAGACGGGCCTGCAGCTTGCTCAGAAC-3'
Protein context (NP_001358833.1, residues 346-366): DLWEDITHSL[His356Tyr]DQGHSHLGDP